The following is an entry in ClinVar:

NM_017849.4(TMEM127):c.50G>T (p.Ser17Ile)

Genes: TMEM127 (transmembrane protein 127; minus strand), LOC129934333 (ATAC-STARR-seq lymphoblastoid silent region 11759; plus strand). Cytogenetic location: 2q11.2.
Variant type: single nucleotide variant.
Coding change: c.50G>T on transcript NM_017849.4 (MANE Select); coding-DNA position 50, G replaced by T.
Protein change: p.Ser17Ile; replaces serine 17 with isoleucine.
Molecular consequence: missense variant.
Genome position (GRCh38, 1-based): chr2:96,265,332, C>A on the plus strand (G>T on the coding strand, the complement: TMEM127 is on the minus strand). VCF-style: chr2-96265332-C-A. GRCh37 (hg19) VCF-style: chr2-96931070-C-A.
Other names: c.50G>T, p.Ser17Ile (NM_001193304.3); short protein forms S17I.
Identifiers: ClinVar variation 656533 (VCV000656533.10), dbSNP rs1223613323, ClinGen allele CA347656221.

ClinVar aggregate classification (germline): Uncertain significance. Review status: criteria provided, multiple submitters, no conflicts (2 of 4 stars). 3 submissions from 3 submitters: Uncertain significance (3). Last evaluated 2024-12-06.

Conditions:
Hereditary cancer-predisposing syndrome. Also called: Tumor predisposition; Hereditary Cancer Syndrome; Hereditary neoplastic syndrome; Neoplastic Syndromes, Hereditary. Identifiers: Orphanet 140162, MedGen C0027672, MeSH D009386, MONDO:0015356.
Pheochromocytoma. Also called: MAX-Related Hereditary Paraganglioma-Pheochromocytoma Syndrome. Identifiers: Orphanet 29072, MedGen C0031511, MONDO:0008233, OMIM 171300, HP:0002666.
Hereditary pheochromocytoma and paraganglioma. Also called: Hereditary paragangliomas and pheochromocytomas; Hereditary pheochromocytoma-paraganglioma; Hereditary Paraganglioma-Pheochromocytoma Syndromes. Identifiers: Orphanet 29072, MedGen C4274332, MONDO:0017366.

gnomAD v4.1: 4 of 1,518,984 alleles (0.00026%); highest among the groups gnomAD compares: East Asian, 0.005%; no homozygotes.

Submissions (3):

Ambry Genetics
Classification: Uncertain significance for Hereditary cancer-predisposing syndrome. Last evaluated: 2024-12-06. Review status: criteria provided, single submitter. Criteria: Ambry Variant Classification Scheme 2023. Collection method: clinical testing. Allele origin: germline.
Comment: The p.S17I variant (also known as c.50G>T), located in coding exon 1 of the TMEM127 gene, results from a G to T substitution at nucleotide position 50. The serine at codon 17 is replaced by isoleucine, an amino acid with dissimilar properties. This amino acid position is not well conserved in available vertebrate species. In addition, this alteration is predicted to be tolerated by in silico analysis. Since supporting evidence is limited at this time, the clinical significance of this alteration remains unclear.

Labcorp Genetics (formerly Invitae), Labcorp
Classification: Uncertain significance for Hereditary pheochromocytoma and paraganglioma. Last evaluated: 2024-06-21. Review status: criteria provided, single submitter. Criteria: Invitae Variant Classification Sherloc (09022015). Collection method: clinical testing. Allele origin: germline.
Comment: This sequence change replaces serine, which is neutral and polar, with isoleucine, which is neutral and non-polar, at codon 17 of the TMEM127 protein (p.Ser17Ile). This variant is present in population databases (no rsID available, gnomAD 0.01%). This missense change has been observed in individual(s) with pheochromocytoma (PMID: 32575117). ClinVar contains an entry for this variant (Variation ID: 656533). An algorithm developed to predict the effect of missense changes on protein structure and function (PolyPhen-2) suggests that this variant is likely to be tolerated. Experimental studies have shown that this missense change does not substantially affect TMEM127 function (PMID: 32575117). In summary, the available evidence is currently insufficient to determine the role of this variant in disease. Therefore, it has been classified as a Variant of Uncertain Significance.

Baylor Genetics
Classification: Uncertain significance for Pheochromocytoma. Last evaluated: 2023-12-01. Review status: criteria provided, single submitter. Criteria: ACMG Guidelines, 2015. Collection method: clinical testing. Allele origin: unknown.

Literature cited by the submitters: PubMed 32575117 (cited by Labcorp Genetics (formerly Invitae), Labcorp).